The following is an entry in ClinVar:

NM_001365276.2(TNXB):c.8842G>A (p.Glu2948Lys)

Gene: TNXB (tenascin XB; minus strand). Cytogenetic location: 6p21.33.
Variant type: single nucleotide variant.
Coding change: c.8842G>A on transcript NM_001365276.2 (MANE Select); coding-DNA position 8842, G replaced by A.
Protein change: p.Glu2948Lys; replaces glutamic acid 2948 with lysine.
Molecular consequence: missense variant.
Genome position (GRCh38, 1-based): chr6:32,052,943, C>T on the plus strand (G>A on the coding strand, the complement: TNXB is on the minus strand). VCF-style: chr6-32052943-C-T. GRCh37 (hg19) VCF-style: chr6-32020720-C-T.
Other names: c.9583G>A, p.Glu3195Lys (NM_001428335.1); c.8836G>A, p.Glu2946Lys (NM_019105.8); short protein forms E2948K, E2946K, E3195K.
Identifiers: ClinVar variation 4188772 (VCV004188772.2).

ClinVar aggregate classification (germline): Uncertain significance (1 of 4 stars; one submission).

Conditions:
Cardiovascular phenotype. Identifiers: MedGen CN230736.

gnomAD v4.1: 3 of 1,612,582 alleles (0.00019%); highest among the groups gnomAD compares: Admixed American, 0.005%; no homozygotes.

Submission:

Ambry Genetics
Classification: Uncertain significance for Cardiovascular phenotype. Last evaluated: 2026-06-09. Review status: criteria provided, single submitter. Criteria: Ambry Variant Classification Scheme 2023. Collection method: clinical testing. Allele origin: germline.
Comment: The p.E2946K variant (also known as c.8836G>A), located in coding exon 25 of the TNXB gene, results from a G to A substitution at nucleotide position 8836. The glutamic acid at codon 2946 is replaced by lysine, an amino acid with similar properties. This amino acid position is conserved. In addition, this alteration is predicted to be tolerated by in silico analysis. Based on the available evidence, the clinical significance of this variant remains unclear.